The following is an entry in ClinVar:

NM_003190.5(TAPBP):c.312del (p.Lys104fs)

Genes: TAPBP (TAP binding protein; minus strand), ZBTB22 (zinc finger and BTB domain containing 22; minus strand). Cytogenetic location: 6p21.32.
Variant type: Deletion.
Coding change: c.312del on transcript NM_003190.5 (MANE Select); coding-DNA position 312, one base deleted (A; older notation c.312delA).
Protein change: p.Lys104fs; shifts the reading frame from lysine 104.
Molecular consequence: frameshift variant. On other transcripts: intron variant (1).
Genome position (GRCh38, 1-based): chr6:33,313,374, T deleted on the plus strand (A on the coding strand, the reverse complement: TAPBP is on the minus strand); the first of 3 consecutive T bases (chr6:33,313,374-33,313,376); deleting any one gives the same sequence. VCF-style (leftmost placement, unchanged base first): chr6-33313373-AT-A. GRCh37 (hg19) VCF-style: chr6-33281150-AT-A.
Other names: c.312delA (NM_003190.4, NM_003190.5); c.312del, p.Lys104fs (NM_172208.3); c.208+320del (NM_172209.3); short protein forms K104fs.
Identifiers: ClinVar variation 656048 (VCV000656048.12), dbSNP rs771157811, ClinGen allele CA3755916.

ClinVar aggregate classification (germline): Conflicting classifications of pathogenicity. Review status: criteria provided, conflicting classifications (1 of 4 stars). 6 submissions from 5 submitters: Pathogenic (1); Likely pathogenic (2); Uncertain significance (3). Last evaluated 2026-06-05.

Conditions:
MHC class I deficiency 1 (MHC1D1). Also called: BLS, TYPE I; HLA CLASS I DEFICIENCY, 1; BARE LYMPHOCYTE SYNDROME, TYPE I. Identifiers: MedGen C1858266, MONDO:0971006, OMIM 604571.
Primary ciliary dyskinesia. Also called: Ciliary dyskinesia. Identifiers: Orphanet 244, MedGen C0008780, MONDO:0016575, HP:0012265.
MHC class I deficiency. Identifiers: Orphanet 34592, MedGen C6024714, MONDO:0011476.
Kartagener syndrome (CILD1). Also called: CILIARY DYSKINESIA, PRIMARY, 1, WITH OR WITHOUT SITUS INVERSUS; CILIARY DYSKINESIA, PRIMARY, 1; Dextrocardia bronchiectasis and sinusitis; SIEWERT SYNDROME; IMMOTILE CILIA SYNDROME; POLYNESIAN BRONCHIECTASIS. Identifiers: Orphanet 244, MedGen C4551906, MONDO:0009484, OMIM 244400.

Submissions (6):

Department of Human Genetics, Hannover Medical School
Classification: Pathogenic for Kartagener syndrome. Last evaluated: 2026-06-05. Review status: criteria provided, single submitter. Criteria: ACMG Guidelines, 2015. Collection method: clinical testing. Allele origin: germline. Affected: yes.
Comment: PVS1, PM2supporting, PM3

Department of Human Genetics, Hannover Medical School
Classification: Likely pathogenic for Primary Ciliary Dyskinesia. Last evaluated: 2026-04-01. Review status: criteria provided, single submitter. Criteria: ACMG Guidelines, 2015. Collection method: research. Allele origin: germline. Affected: yes.
Comment: Classification performed by HerediClassify using the following criteria:['PM2_supporting: Variant occures does not occur as homozygous in gnomAD.', 'PVS1_protein_very_strong: Transcript ENST00000434618 is predicted to undergo NMD.']

Labcorp Genetics (formerly Invitae), Labcorp
Classification: Uncertain significance for MHC class I deficiency 1. Last evaluated: 2025-10-06. Review status: criteria provided, single submitter. Criteria: Invitae Variant Classification Sherloc (09022015). Collection method: clinical testing. Allele origin: germline.
Comment: This sequence change creates a premature translational stop signal (p.Lys104Asnfs*6) in the TAPBP gene. It is expected to result in an absent or disrupted protein product. However, the current clinical and genetic evidence is not sufficient to establish whether loss-of-function variants in TAPBP cause disease. This variant is present in population databases (rs771157811, gnomAD 0.03%). This premature translational stop signal has been observed in individual(s) with bronchiectasis and recurrent infections (PMID: 38866210). ClinVar contains an entry for this variant (Variation ID: 656048). Studies have shown that this premature translational stop signal alters TAPBP gene expression (PMID: 38866210). In summary, the available evidence is currently insufficient to determine the role of this variant in disease. Therefore, it has been classified as a Variant of Uncertain Significance.

Daryl Scott Lab, Baylor College of Medicine
Classification: Likely pathogenic for MHC class I deficiency 1. Last evaluated: 2025-08-25. Review status: criteria provided, single submitter. Criteria: ACMG Guidelines, 2015. Collection method: clinical testing. Allele origin: biparental. Affected: yes.
Comment: PVS1

Blueprint Genetics
Classification: Uncertain significance. Last evaluated: 2024-07-19. Review status: criteria provided, single submitter. Criteria: ACMG Guidelines, 2015. Collection method: clinical testing. Allele origin: germline.

Fulgent Genetics
Classification: Uncertain significance for MHC class I deficiency 1. Last evaluated: 2022-04-26. Review status: criteria provided, single submitter. Criteria: ACMG Guidelines, 2015. Collection method: clinical testing. Allele origin: unknown.

Literature cited by the submitters: PubMed 38866210 (cited by Labcorp Genetics (formerly Invitae), Labcorp).